The following is an entry in ClinVar:

NM_001369.3(DNAH5):c.6661G>A (p.Glu2221Lys)

Gene: DNAH5 (dynein axonemal heavy chain 5; minus strand). Cytogenetic location: 5p15.2.
Variant type: single nucleotide variant.
Coding change: c.6661G>A on transcript NM_001369.3 (MANE Select); coding-DNA position 6661, G replaced by A.
Protein change: p.Glu2221Lys; replaces glutamic acid 2221 with lysine.
Molecular consequence: missense variant.
Genome position (GRCh38, 1-based): chr5:13,823,289, C>T on the plus strand (G>A on the coding strand, the complement: DNAH5 is on the minus strand). VCF-style: chr5-13823289-C-T. GRCh37 (hg19) VCF-style: chr5-13823398-C-T.
Other names: c.6661G>A (NM_001369.2); short protein forms E2221K.
Identifiers: ClinVar variation 2084964 (VCV002084964.2), dbSNP rs148526079, ClinGen allele CA113930479.

ClinVar aggregate classification (germline): Uncertain significance. Review status: criteria provided, multiple submitters, no conflicts (2 of 4 stars). 2 submissions from 2 submitters: Uncertain significance (2). Last evaluated 2025-02-13.

Conditions:
Primary ciliary dyskinesia. Also called: Ciliary dyskinesia. Identifiers: Orphanet 244, MedGen C0008780, MONDO:0016575, HP:0012265.

Allele frequency attached by ClinVar (database versions not stated): gnomAD 0.00001; gnomAD exomes 0.00001; TOPMed 0.00002; ESP Exome Variant Server 0.00008.
gnomAD v4.1: 20 of 1,613,308 alleles (0.0012%); highest among the groups gnomAD compares: Non-Finnish European, 0.0016%; no homozygotes.

Submissions (2):

Ambry Genetics
Classification: Uncertain significance for Primary ciliary dyskinesia. Last evaluated: 2025-02-13. Review status: criteria provided, single submitter. Criteria: Ambry Variant Classification Scheme 2023. Collection method: clinical testing. Allele origin: germline.
Comment: The p.E2221K variant (also known as c.6661G>A), located in coding exon 40 of the DNAH5 gene, results from a G to A substitution at nucleotide position 6661. The glutamic acid at codon 2221 is replaced by lysine, an amino acid with similar properties. This amino acid position is conserved. In addition, this alteration is predicted to be tolerated by in silico analysis. Based on the available evidence, the clinical significance of this variant remains unclear.

Labcorp Genetics (formerly Invitae), Labcorp
Classification: Uncertain significance for Primary ciliary dyskinesia. Last evaluated: 2022-08-22. Review status: criteria provided, single submitter. Criteria: Invitae Variant Classification Sherloc (09022015). Collection method: clinical testing. Allele origin: germline.
Comment: This sequence change replaces glutamic acid, which is acidic and polar, with lysine, which is basic and polar, at codon 2221 of the DNAH5 protein (p.Glu2221Lys). This variant is present in population databases (rs148526079, gnomAD 0.0009%). This variant has not been reported in the literature in individuals affected with DNAH5-related conditions. Advanced modeling of protein sequence and biophysical properties (such as structural, functional, and spatial information, amino acid conservation, physicochemical variation, residue mobility, and thermodynamic stability) performed at Invitae indicates that this missense variant is not expected to disrupt DNAH5 protein function. In summary, the available evidence is currently insufficient to determine the role of this variant in disease. Therefore, it has been classified as a Variant of Uncertain Significance.